The following is an entry in ClinVar:

ClinVar aggregate classification (germline): Conflicting classifications of pathogenicity. Review status: criteria provided, conflicting classifications (1 of 4 stars). 4 submissions from 4 submitters: Pathogenic (2); Uncertain significance (1). 1 of the submissions does not count toward it. Last evaluated 2025-03-17.

Conditions:
ABCA4-related disorder. Also called: ABCA4-related condition; ABCA4-related disorders. Identifiers: MedGen CN239167.
Cone-rod dystrophy 3 (CORD3). Identifiers: Orphanet 1872, MedGen C1858806, MONDO:0011395, OMIM 604116.

Submissions (4):

Labcorp Genetics (formerly Invitae), Labcorp
Classification: Pathogenic. Last evaluated: 2025-03-17. Review status: criteria provided, single submitter. Criteria: Invitae Variant Classification Sherloc (09022015). Collection method: clinical testing. Allele origin: germline.
Comment: This sequence change replaces proline, which is neutral and non-polar, with serine, which is neutral and polar, at codon 1088 of the ABCA4 protein (p.Pro1088Ser). This variant is not present in population databases (gnomAD no frequency). This missense change has been observed in individual(s) with Stargardt disease (internal data). ClinVar contains an entry for this variant (Variation ID: 497940). Invitae Evidence Modeling of protein sequence and biophysical properties (such as structural, functional, and spatial information, amino acid conservation, physicochemical variation, residue mobility, and thermodynamic stability) indicates that this missense variant is expected to disrupt ABCA4 protein function with a positive predictive value of 95%. This variant disrupts the p.Pro1088 amino acid residue in ABCA4. Other variant(s) that disrupt this residue have been observed in individuals with ABCA4-related conditions (PMID: 31543898), which suggests that this may be a clinically significant amino acid residue. For these reasons, this variant has been classified as Pathogenic.

Blueprint Genetics
Classification: Pathogenic for ABCA4-related disorders. Last evaluated: 2024-06-13. Review status: criteria provided, single submitter. Criteria: ACMG Guidelines, 2015. Collection method: clinical testing. Allele origin: germline. Affected: yes. Observed: 5 variant alleles.

Eurofins Ntd Llc (ga)
Classification: Uncertain significance. Last evaluated: 2016-10-25. Review status: criteria provided, single submitter. Criteria: EGL Classification Definitions 2015. Collection method: clinical testing. Allele origin: germline. Observed: 1 variant allele, 1 heterozygote.

Clinical Genetics, Synlab MVZ Humangenetik Freiburg
Classification: Likely pathogenic for Cone-rod dystrophy 3. Last evaluated: 2024-05-17. Review status: no assertion criteria provided. Collection method: clinical testing. Allele origin: germline. Affected: yes. Not counted in ClinVar's aggregate classification.
Comment: The ABCA4 variant c.3262C>T, p.(P1088S), has been previously described as pathogenic (PMID:35475888). The variant affects a highly conserved nucleotide in the ABC-transporter domain. It is not listed in control databases (dbSNP, gnomAD v2.1.1). ACMG criteria: PM1, PM2_supp, PM5, PP3_strong

Literature cited by the submitters: PubMed 31543898 (cited by Labcorp Genetics (formerly Invitae), Labcorp).

NM_000350.3(ABCA4):c.3262C>T (p.Pro1088Ser)

Gene: ABCA4 (ATP binding cassette subfamily A member 4; minus strand). Cytogenetic location: 1p22.1.
Variant type: single nucleotide variant.
Coding change: c.3262C>T on transcript NM_000350.3 (MANE Select); coding-DNA position 3262, C replaced by T.
Protein change: p.Pro1088Ser; replaces proline 1088 with serine.
Molecular consequence: missense variant.
Genome position (GRCh38, 1-based): chr1:94,042,827, G>A on the plus strand (C>T on the coding strand, the complement: ABCA4 is on the minus strand). VCF-style: chr1-94042827-G-A. GRCh37 (hg19) VCF-style: chr1-94508383-G-A.
Other names: c.3040C>T, p.Pro1014Ser (NM_001425324.1); short protein forms P1088S, P1014S.
Identifiers: ClinVar variation 497940 (VCV000497940.14), dbSNP rs1553190579, ClinGen allele CA341292142.